The following is an entry in ClinVar:

NM_014384.3(ACAD8):c.1057A>G (p.Met353Val)

Gene: ACAD8 (acyl-CoA dehydrogenase family member 8; plus strand). Cytogenetic location: 11q25.
Variant type: single nucleotide variant.
Coding change: c.1057A>G on transcript NM_014384.3 (MANE Select); coding-DNA position 1057, A replaced by G.
Protein change: p.Met353Val; replaces methionine 353 with valine.
Molecular consequence: missense variant.
Genome position (GRCh38, 1-based): chr11:134,261,855, A>G. VCF-style: chr11-134261855-A-G. GRCh37 (hg19) VCF-style: chr11-134131749-A-G.
Other names: short protein forms M353V.
Identifiers: ClinVar variation 1462038 (VCV001462038.6), dbSNP rs2136083488, ClinGen allele CA383518511.
Genomic context (GRCh38, chr11:134,261,855, plus strand): 5'-GTCCGCAATGCAGCAGTGGCTCTGCAGGAGGAGAGGAAGGATGCAGTGGCCTTGTGCTCC[A>G]TGGCCAAGCTCTTTGCTACAGATGAATGCTTTGCCGTAAGTGATTCCTCTGGCTCTCCTG-3'
Protein context (NP_055199.1, residues 343-363): ERKDAVALCS[Met353Val]AKLFATDECF

ClinVar aggregate classification (germline): Uncertain significance (1 of 4 stars; one submission).

Conditions:
Deficiency of isobutyryl-CoA dehydrogenase. Also called: ACAD8 DEFICIENCY; ACYL-CoA DEHYDROGENASE FAMILY, MEMBER 8, DEFICIENCY OF; IBD DEFICIENCY. Identifiers: Orphanet 79159, MedGen C1969809, MONDO:0012648, OMIM 611283.

Allele frequency attached by ClinVar (database versions not stated): gnomAD exomes below 0.00001.
gnomAD v4.1: 3 of 1,614,166 alleles (0.00019%); highest among the groups gnomAD compares: Non-Finnish European, 0.00025%; no homozygotes.

Submission:

Labcorp Genetics (formerly Invitae), Labcorp
Classification: Uncertain significance for Deficiency of isobutyryl-CoA dehydrogenase. Last evaluated: 2022-01-13. Review status: criteria provided, single submitter. Criteria: Invitae Variant Classification Sherloc (09022015). Collection method: clinical testing. Allele origin: germline.
Comment: This sequence change replaces methionine, which is neutral and non-polar, with valine, which is neutral and non-polar, at codon 353 of the ACAD8 protein (p.Met353Val). In summary, the available evidence is currently insufficient to determine the role of this variant in disease. Therefore, it has been classified as a Variant of Uncertain Significance. This variant is not present in population databases (gnomAD no frequency). Algorithms developed to predict the effect of missense changes on protein structure and function are either unavailable or do not agree on the potential impact of this missense change (SIFT: "Deleterious"; PolyPhen-2: "Probably Damaging"; Align-GVGD: "Class C15"). This variant has not been reported in the literature in individuals affected with ACAD8-related conditions.